The following is an entry in ClinVar:

ClinVar aggregate classification (germline): Uncertain significance (1 of 4 stars; one submission).

Submission:

Ambry Genetics
Classification: Uncertain significance. Last evaluated: 2026-05-14. Review status: criteria provided, single submitter. Criteria: Ambry Variant Classification Scheme 2023. Collection method: clinical testing. Allele origin: germline.
Comment: The p.L768P variant (also known as c.2303T>C), located in coding exon 1 of the MLH3 gene, results from a T to C substitution at nucleotide position 2303. The leucine at codon 768 is replaced by proline, an amino acid with similar properties. This amino acid position is conserved. In addition, this alteration is predicted to be tolerated by in silico analysis. Based on the available evidence, the clinical significance of this variant remains unclear.

NM_001040108.2(MLH3):c.2303T>C (p.Leu768Pro)

Gene: MLH3 (mutL homolog 3; minus strand). Cytogenetic location: 14q24.3.
Variant type: single nucleotide variant.
Coding change: c.2303T>C on transcript NM_001040108.2 (MANE Select); coding-DNA position 2303, T replaced by C.
Protein change: p.Leu768Pro; replaces leucine 768 with proline.
Molecular consequence: missense variant.
Genome position (GRCh38, 1-based): chr14:75,047,353, A>G on the plus strand (T>C on the coding strand, the complement: MLH3 is on the minus strand). VCF-style: chr14-75047353-A-G. GRCh37 (hg19) VCF-style: chr14-75514056-A-G.
Other names: c.2303T>C, p.Leu768Pro (NM_014381.3); short protein forms L768P.
Identifiers: ClinVar variation 4860206 (VCV004860206.1).
Genomic context (GRCh38, chr14:75,047,353, plus strand): 5'-GGTTCAACTTGAAGACTGAGATTGGTAGTGACTCCATTACTTTCCTCTACTTCTGTATCC[A>G]GAGGATTTTCAACCTTCCCATATTGCCTCTTAAACTTCTCTAAAGATCCTAGCTGTGAAC-3'
Protein context (NP_001035197.1, residues 758-778): KRQYGKVENP[Leu768Pro]DTEVEESNGV